The following is an entry in ClinVar:

ClinVar aggregate classification (germline): Uncertain significance. Review status: criteria provided, multiple submitters, no conflicts (2 of 4 stars). 2 submissions from 2 submitters: Uncertain significance (2). Last evaluated 2025-07-29.

Conditions:
Hereditary cancer-predisposing syndrome. Also called: Neoplastic Syndromes, Hereditary; Tumor predisposition; Hereditary Cancer Syndrome; Hereditary neoplastic syndrome. Identifiers: Orphanet 140162, MedGen C0027672, MeSH D009386, MONDO:0015356.
Pheochromocytoma/paraganglioma syndrome 4. Also called: CAROTID BODY TUMORS AND MULTIPLE EXTRAADRENAL PHEOCHROMOCYTOMAS; SDHB-Related Hereditary Paraganglioma-Pheochromocytoma Syndrome (Paragangliomas 4); SDHB-Related Hereditary Paraganglioma-Pheochromocytoma Syndrome; PARAGANGLIOMA, FAMILIAL MALIGNANT; PARAGANGLIOMAS, HEREDITARY EXTRAADRENAL; PHEOCHROMOCYTOMA, FAMILIAL EXTRAADRENAL. Identifiers: Orphanet 29072, MedGen C1861848, MONDO:0007273, OMIM 115310.
Gastrointestinal stromal tumor. Also called: Gastrointestinal stromal tumor, somatic; Gastrointestinal stroma tumor. Identifiers: Orphanet 44890, MedGen C0238198, MeSH D046152, MONDO:0011719, OMIM 606764, HP:0100723.
Pheochromocytoma. Also called: MAX-Related Hereditary Paraganglioma-Pheochromocytoma Syndrome. Identifiers: Orphanet 29072, MedGen C0031511, MONDO:0008233, OMIM 171300, HP:0002666.

Submissions (2):

Labcorp Genetics (formerly Invitae), Labcorp
Classification: Uncertain significance for Gastrointestinal stromal tumor; Pheochromocytoma/paraganglioma syndrome 4; Pheochromocytoma. Last evaluated: 2025-07-29. Review status: criteria provided, single submitter. Criteria: Invitae Variant Classification Sherloc (09022015). Collection method: clinical testing. Allele origin: germline.
Comment: This sequence change replaces alanine, which is neutral and non-polar, with valine, which is neutral and non-polar, at codon 148 of the SDHB protein (p.Ala148Val). This variant is not present in population databases (gnomAD no frequency). This variant has not been reported in the literature in individuals affected with SDHB-related conditions. ClinVar contains an entry for this variant (Variation ID: 824893). Invitae Evidence Modeling of protein sequence and biophysical properties (such as structural, functional, and spatial information, amino acid conservation, physicochemical variation, residue mobility, and thermodynamic stability) indicates that this missense variant is not expected to disrupt SDHB protein function with a negative predictive value of 80%. In summary, the available evidence is currently insufficient to determine the role of this variant in disease. Therefore, it has been classified as a Variant of Uncertain Significance.

Ambry Genetics
Classification: Uncertain significance for Hereditary cancer-predisposing syndrome. Last evaluated: 2019-08-30. Review status: criteria provided, single submitter. Criteria: Ambry Variant Classification Scheme 2023. Collection method: clinical testing. Allele origin: germline.
Comment: The p.A148V variant (also known as c.443C>T), located in coding exon 5 of the SDHB gene, results from a C to T substitution at nucleotide position 443. The alanine at codon 148 is replaced by valine, an amino acid with similar properties. This amino acid position is highly conserved in available vertebrate species. In addition, this alteration is predicted to be deleterious by in silico analysis. Since supporting evidence is limited at this time, the clinical significance of this alteration remains unclear.

NM_003000.3(SDHB):c.443C>T (p.Ala148Val)

Gene: SDHB (succinate dehydrogenase complex iron sulfur subunit B; minus strand). Cytogenetic location: 1p36.13.
Variant type: single nucleotide variant.
Coding change: c.443C>T on transcript NM_003000.3 (MANE Select); coding-DNA position 443, C replaced by T.
Protein change: p.Ala148Val; replaces alanine 148 with valine.
Molecular consequence: missense variant.
Genome position (GRCh38, 1-based): chr1:17,027,846, G>A on the plus strand (C>T on the coding strand, the complement: SDHB is on the minus strand). VCF-style: chr1-17027846-G-A. GRCh37 (hg19) VCF-style: chr1-17354341-G-A.
Other names: short protein forms A148V.
Identifiers: ClinVar variation 824893 (VCV000824893.5), dbSNP rs1570947996, ClinGen allele CA338273312.
Genomic context (GRCh38, chr1:17,027,846, plus strand): 5'-TGCTTGCCTTCCTGAGATTCATCCTTCTTCTTCAAATAAGGCTCAATGGATTTGTACTGT[G>A]CATAGAAGTTGCTCAAATCCTGTGGTTAAGAGGAAGAAGAAGAAGAAGAAGAAGAAAAGG-3'
Protein context (NP_002991.2, residues 138-158): DLVPDLSNFY[Ala148Val]QYKSIEPYLK